The following is an entry in ClinVar:

NM_014491.4(FOXP2):c.531A>G (p.Gln177=)

Gene: FOXP2 (forkhead box P2; plus strand). Cytogenetic location: 7q31.1.
Variant type: single nucleotide variant.
Coding change: c.531A>G on transcript NM_014491.4 (MANE Select); coding-DNA position 531, A replaced by G.
Protein change: p.Gln177=; no amino-acid change (glutamine 177 retained).
Molecular consequence: synonymous variant. On other transcripts: non-coding transcript variant (2).
Genome position (GRCh38, 1-based): chr7:114,629,939, A>G. VCF-style: chr7-114629939-A-G. GRCh37 (hg19) VCF-style: chr7-114269994-A-G.
Other names: c.531A>G, p.Gln177= (NM_001172766.3, NM_148899.3); c.606A>G, p.Gln202= (NM_001172767.2, NM_148898.4); c.582A>G, p.Gln194= (NM_148900.4).
Identifiers: ClinVar variation 95609 (VCV000095609.17), dbSNP rs111801240, ClinGen allele CA148654.

ClinVar aggregate classification (germline): Benign. Review status: criteria provided, multiple submitters, no conflicts (2 of 4 stars). 5 submissions from 5 submitters: Benign (5). Last evaluated 2019-12-31.

Conditions:
Inborn genetic diseases. Identifiers: MedGen C0950123, MeSH D030342.
Childhood apraxia of speech (SPCH1). Also called: Speech language disorder; DEVELOPMENTAL VERBAL DYSPRAXIA; SPEECH AND LANGUAGE DISORDER WITH OROFACIAL DYSPRAXIA; FOXP2-Related Speech and Language Disorder. Identifiers: Orphanet 209908, MedGen C0750927, MONDO:0011184, OMIM 602081.

Allele frequency attached by ClinVar (database versions not stated): gnomAD 0.01028 and 0.01115; gnomAD exomes 0.00099 and 0.00257; 1000 Genomes Project 0.01078; ESP Exome Variant Server 0.01125; ExAC 0.00267; 1000 Genomes Project 30x 0.01187.
gnomAD v4.1: 3,054 of 1,610,696 alleles (0.19%); highest among the groups gnomAD compares: African/African-American, 3.6%; 53 homozygotes.

Submissions (5):

Labcorp Genetics (formerly Invitae), Labcorp
Classification: Benign. Last evaluated: 2019-12-31. Review status: criteria provided, single submitter. Criteria: Invitae Variant Classification Sherloc (09022015). Collection method: clinical testing. Allele origin: germline.

Illumina Laboratory Services, Illumina
Classification: Benign for Childhood apraxia of speech. Last evaluated: 2018-01-13. Review status: criteria provided, single submitter. Criteria: ICSL Variant Classification Criteria 13 December 2019. Collection method: clinical testing. Allele origin: germline.
Comment: This variant was observed in the ICSL laboratory as part of a predisposition screen in an ostensibly healthy population. It had not been previously curated by ICSL or reported in the Human Gene Mutation Database (HGMD: prior to June 1st, 2018), and was therefore a candidate for classification through an automated scoring system. Utilizing variant allele frequency, disease prevalence and penetrance estimates, and inheritance mode, an automated score was calculated to assess if this variant is too frequent to cause the disease. Based on the score and internal cut-off values, a variant classified as benign is not then subjected to further curation. The score for this variant resulted in a classification of benign for this disease.

Ambry Genetics
Classification: Benign for Inborn genetic diseases. Last evaluated: 2016-04-15. Review status: criteria provided, single submitter. Criteria: Ambry Variant Classification Scheme 2023. Collection method: clinical testing. Allele origin: germline.

Eurofins Ntd Llc (ga)
Classification: Benign. Last evaluated: 2013-04-23. Review status: criteria provided, single submitter. Criteria: EGL Classification Definitions 2015. Collection method: clinical testing. Allele origin: germline. Observed: 2 variant alleles, 2 heterozygotes.

Breakthrough Genomics
Classification: Benign. Review status: criteria provided, single submitter. Criteria: ACMG Guidelines, 2015. Collection method: not provided. Allele origin: germline. Inheritance: Autosomal dominant inheritance. Affected: yes.